The following is an entry in ClinVar:

ClinVar aggregate classification (germline): Uncertain significance (1 of 4 stars; one submission).

Submission:

Ambry Genetics
Classification: Uncertain significance. Last evaluated: 2021-09-30. Review status: criteria provided, single submitter. Criteria: Ambry Variant Classification Scheme 2023. Collection method: clinical testing. Allele origin: germline.
Comment: The p.T1584P variant (also known as c.4750A>C), located in coding exon 16 of the POLQ gene, results from an A to C substitution at nucleotide position 4750. The threonine at codon 1584 is replaced by proline, an amino acid with highly similar properties. This amino acid position is conserved. In addition, this alteration is predicted to be tolerated by in silico analysis. Since supporting evidence is limited at this time, the clinical significance of this alteration remains unclear.

NM_199420.4(POLQ):c.4750A>C (p.Thr1584Pro)

Gene: POLQ (DNA polymerase theta; minus strand). Cytogenetic location: 3q13.33.
Variant type: single nucleotide variant.
Coding change: c.4750A>C on transcript NM_199420.4 (MANE Select); coding-DNA position 4750, A replaced by C.
Protein change: p.Thr1584Pro; replaces threonine 1584 with proline.
Molecular consequence: missense variant.
Genome position (GRCh38, 1-based): chr3:121,488,181, T>G on the plus strand (A>C on the coding strand, the complement: POLQ is on the minus strand). VCF-style: chr3-121488181-T-G. GRCh37 (hg19) VCF-style: chr3-121207028-T-G.
Other names: short protein forms T1584P.
Identifiers: ClinVar variation 1742846 (VCV001742846.2), dbSNP rs2048030379, ClinGen allele CA354093958.